The following is an entry in ClinVar:

NM_018489.3(ASH1L):c.7944C>G (p.Phe2648Leu)

Gene: ASH1L (ASH1 like histone lysine methyltransferase; minus strand). Cytogenetic location: 1q22.
Variant type: single nucleotide variant.
Coding change: c.7944C>G on transcript NM_018489.3 (MANE Select); coding-DNA position 7944, C replaced by G.
Protein change: p.Phe2648Leu; replaces phenylalanine 2648 with leucine.
Molecular consequence: missense variant.
Genome position (GRCh38, 1-based): chr1:155,344,220, G>C on the plus strand (C>G on the coding strand, the complement: ASH1L is on the minus strand). VCF-style: chr1-155344220-G-C. GRCh37 (hg19) VCF-style: chr1-155314011-G-C.
Other names: c.7959C>G, p.Phe2653Leu (NM_001366177.2); short protein forms F2648L, F2653L.
Identifiers: ClinVar variation 5037337 (VCV005037337.1).
Genomic context (GRCh38, chr1:155,344,220, plus strand): 5'-AGGATTAGCTCCTGTATACATACCCTGACGAAGCAGCAAGTCATCTCGGAGCAAACAGAT[G>C]AAGTAGACACAGCCAGGTTGGGCATAGTGGGGCCGAGGGATCATGGGAACCTCCTGATAG-3'
Protein context (NP_060959.2, residues 2638-2658): PHYAQPGCVY[Phe2648Leu]ICLLRDDLLL

ClinVar aggregate classification (germline): Uncertain significance (1 of 4 stars; one submission).

Submission:

GeneDx
Classification: Uncertain significance. Last evaluated: 2026-04-16. Review status: criteria provided, single submitter. Criteria: GeneDx Variant Classification Process June 2021. Collection method: clinical testing. Allele origin: germline.
Comment: Not observed at significant frequency in large population cohorts (gnomAD); In silico analysis supports that this missense variant has a deleterious effect on protein structure/function; Has not been previously published as pathogenic or benign to our knowledge